The following is an entry in ClinVar:

NM_014249.4(NR2E3):c.646G>A (p.Gly216Ser)

Gene: NR2E3 (nuclear receptor subfamily 2 group E member 3; plus strand). Cytogenetic location: 15q23.
Variant type: single nucleotide variant.
Coding change: c.646G>A on transcript NM_014249.4 (MANE Select); coding-DNA position 646, G replaced by A.
Protein change: p.Gly216Ser; replaces glycine 216 with serine.
Molecular consequence: missense variant.
Genome position (GRCh38, 1-based): chr15:71,812,410, G>A. VCF-style: chr15-71812410-G-A. GRCh37 (hg19) VCF-style: chr15-72104750-G-A.
Other names: c.646G>A, p.Gly216Ser (NM_016346.4); c.646G>A (NM_014249.2); short protein forms G216S.
Identifiers: ClinVar variation 191061 (VCV000191061.16), dbSNP rs368098126, ClinGen allele CA235935.

ClinVar aggregate classification (germline): Conflicting classifications of pathogenicity. Review status: criteria provided, conflicting classifications (1 of 4 stars). 9 submissions from 9 submitters: Likely pathogenic (7); Uncertain significance (1). 1 of the submissions does not count toward it. Last evaluated 2025-11-20.

Conditions:
ENHANCED S-CONE SYNDROME 1 (ESCS1). Also called: RETINOSCHISIS WITH EARLY HEMERALOPIA; FAVRE HYALOIDEORETINAL DEGENERATION. Identifiers: MedGen CN380299, OMIM 268100.
Retinitis pigmentosa 37 (RP37). Identifiers: Orphanet 791, MedGen C1970163, MONDO:0012625, OMIM 611131.
NR2E3-related disorder. Also called: NR2E3-related condition; NR2E3-related disorders. Identifiers: MedGen CN239387.
Enhanced S-cone syndrome (ESCS). Identifiers: Orphanet 53540, MedGen C1849394, MONDO:0100288, MONDO:0009989.
Retinitis pigmentosa (RP). Identifiers: Orphanet 791, MedGen C0035334, MeSH D012174, MONDO:0019200, OMIM 268000. Inheritance: Autosomal dominant, autosomal recessive and X linked inheritance.

Allele frequency attached by ClinVar (database versions not stated): gnomAD exomes 0.00002 and 0.00004; ExAC 0.00004; gnomAD 0.00005 and 0.00006; TOPMed 0.00005; ESP Exome Variant Server 0.00008.
gnomAD v4.1: 40 of 1,613,746 alleles (0.0025%); highest among the groups gnomAD compares: African/African-American, 0.0093%; no homozygotes.

Submissions (9):

Myriad Genetics, Inc.
Classification: Likely pathogenic for ENHANCED S-CONE SYNDROME 1. Last evaluated: 2025-11-20. Review status: criteria provided, single submitter. Criteria: Myriad Autosomal Dominant, Autosomal Recessive and X-Linked Classification Criteria (2023). Collection method: clinical testing. Allele origin: unknown.
Comment: NM_014249.2(NR2E3):c.646G>A(G216S) is a missense variant classified as likely pathogenic in the context of enhanced S-cone syndrome. G216S has been observed in cases with relevant disease (PMID: 32901917, 30718709, 32679203, 26355662, 33819700). Relevant functional assessments of this variant are not available in the literature. G216S has been observed in referenced population frequency databases. In summary, NM_014249.2(NR2E3):c.646G>A(G216S) is a missense variant that has been observed more frequently in cases with the relevant disease than in healthy populations. Please note: this variant was assessed in the context of healthy population screening.

First Genomix Gene Laboratory, Genetic Diagnostics Department
Classification: Likely pathogenic for ENHANCED S-CONE SYNDROME 1; Retinitis pigmentosa 37. Last evaluated: 2025-07-16. Review status: criteria provided, single submitter. Criteria: ACMG Guidelines, 2015. Collection method: clinical testing. Allele origin: germline. Inheritance: Autosomal recessive inheritance. Affected: no. Observed: 1 variant allele.

PreventionGenetics, part of Exact Sciences
Classification: Likely pathogenic for NR2E3-related condition. Last evaluated: 2025-05-14. Review status: criteria provided, single submitter. Criteria: ACMG Guidelines, 2015. Collection method: clinical testing. Allele origin: germline.
Comment: The NR2E3 c.646G>A variant is predicted to result in the amino acid substitution p.Gly216Ser. This variant was described, in the homozygous state or in the heterozygous state along with a second causative variant, in individuals with enhanced S-cone syndrome or retinitis pigmentosa (de Carvalho et al. 2020. PubMed ID: 32679203; supplementary data, Jespersgaard et al. 2019. PubMed ID: 30718709). This variant was also described in the heterozygous state in an individual with rod-cone dystrophy (supplementary data, Seo et al. 2020. PubMed ID: 32901917) and in an individual with suspected Goldmann-Favre syndrome (supplementary data, Patel et al. 2016. PubMed ID: 26355662). The p.Gly216Ser variant was also described in a large cohort of individuals with suspected retinitis pigmentosa (supplementary data, Kim et al. 2021. PubMed ID: 33946315). This variant is reported in 0.026% of alleles in individuals of African descent in gnomAD. Taken together, this variant is interpreted as likely pathogenic for autosomal recessive disease, although the contribution of this disease to autosomal dominant inheritance is currently uncertain.

Fulgent Genetics
Classification: Likely pathogenic for ENHANCED S-CONE SYNDROME 1; Retinitis pigmentosa 37. Last evaluated: 2024-03-04. Review status: criteria provided, single submitter. Criteria: ACMG Guidelines, 2015. Collection method: clinical testing. Allele origin: germline.

Labcorp Genetics (formerly Invitae), Labcorp
Classification: Likely pathogenic. Last evaluated: 2024-02-24. Review status: criteria provided, single submitter. Criteria: Invitae Variant Classification Sherloc (09022015). Collection method: clinical testing. Allele origin: germline.
Comment: This sequence change replaces glycine, which is neutral and non-polar, with serine, which is neutral and polar, at codon 216 of the NR2E3 protein (p.Gly216Ser). This variant is present in population databases (rs368098126, gnomAD 0.03%). This missense change has been observed in individual(s) with autosomal recessive enhanced s-cone syndrome and/or autosomal recessive retinitis pigmentosa (PMID: 26355662, 30718709, 32679203). This variant has been reported in individual(s) with autosomal dominant retinitis pigmentosa (PMID: 32901917); however, the role of the variant in this condition is currently unclear. ClinVar contains an entry for this variant (Variation ID: 191061). Advanced modeling of protein sequence and biophysical properties (such as structural, functional, and spatial information, amino acid conservation, physicochemical variation, residue mobility, and thermodynamic stability) performed at Invitae indicates that this missense variant is not expected to disrupt NR2E3 protein function with a negative predictive value of 80%. Algorithms developed to predict the effect of sequence changes on RNA splicing suggest that this variant may disrupt the consensus splice site. In summary, the currently available evidence indicates that the variant is pathogenic, but additional data are needed to prove that conclusively. Therefore, this variant has been classified as Likely Pathogenic.

Baylor Genetics
Classification: Likely pathogenic for ENHANCED S-CONE SYNDROME 1. Last evaluated: 2024-02-18. Review status: criteria provided, single submitter. Criteria: ACMG Guidelines, 2015. Collection method: clinical testing. Allele origin: unknown.

Blueprint Genetics
Classification: Uncertain significance. Last evaluated: 2022-03-30. Review status: criteria provided, single submitter. Criteria: ACMG Guidelines, 2015. Collection method: clinical testing. Allele origin: germline.

Genomic Medicine Center of Excellence, King Faisal Specialist Hospital and Research Centre
Classification: Likely pathogenic. Review status: criteria provided, single submitter. Criteria: ACMG Guidelines, 2015. Collection method: research. Allele origin: germline. Affected: yes.

Department of Clinical Genetics, Copenhagen University Hospital, Rigshospitalet
Classification: Likely pathogenic for Retinitis pigmentosa. Last evaluated: 2018-04-01. Review status: no assertion criteria provided. Collection method: research. Allele origin: unknown. Affected: yes. Study: VeluxRD. Not counted in ClinVar's aggregate classification.

Literature cited by the submitters: PubMed 26355662 (cited by Myriad Genetics, Inc. and Labcorp Genetics (formerly Invitae), Labcorp); PubMed 30718709 (cited by 3 submitters); PubMed 32679203 (cited by Myriad Genetics, Inc. and Labcorp Genetics (formerly Invitae), Labcorp); PubMed 32901917 (cited by Myriad Genetics, Inc. and Labcorp Genetics (formerly Invitae), Labcorp); PubMed 33819700 (cited by Myriad Genetics, Inc.).